The following is an entry in ClinVar:

NM_001330260.2(SCN8A):c.2863A>G (p.Ile955Val)

Gene: SCN8A (sodium voltage-gated channel alpha subunit 8; plus strand). Cytogenetic location: 12q13.13.
Variant type: single nucleotide variant.
Coding change: c.2863A>G on transcript NM_001330260.2 (MANE Select); coding-DNA position 2863, A replaced by G.
Protein change: p.Ile955Val; replaces isoleucine 955 with valine.
Molecular consequence: missense variant.
Genome position (GRCh38, 1-based): chr12:51,765,989, A>G. VCF-style: chr12-51765989-A-G. GRCh37 (hg19) VCF-style: chr12-52159773-A-G.
Other names: c.2863A>G, p.Ile955Val (NM_001177984.3, NM_001369788.1, NM_014191.4); short protein forms I955V.
Identifiers: ClinVar variation 3669146 (VCV003669146.2).
Genomic context (GRCh38, chr12:51,765,989, plus strand): 5'-GGGGAGTGGATTGAGACCATGTGGGACTGCATGGAAGTGGCAGGCCAGGCCATGTGCCTC[A>G]TTGTCTTTATGATGGTCATGGTGATTGGCAACTTGGTGGTTAGTACTAATTTGTAGATAT-3'
Protein context (NP_001317189.1, residues 945-965): MEVAGQAMCL[Ile955Val]VFMMVMVIGN

ClinVar aggregate classification (germline): Uncertain significance (1 of 4 stars; one submission).

Conditions:
Early-infantile DEE. Also called: Ohtahara syndrome; Early infantile epileptic encephalopathy with suppression bursts; Early infantile epileptic encephalopathy. Identifiers: Orphanet 1934, MedGen C0393706, MONDO:0800491.

Submission:

Labcorp Genetics (formerly Invitae), Labcorp
Classification: Uncertain significance for Early-infantile DEE. Last evaluated: 2024-05-13. Review status: criteria provided, single submitter. Criteria: Invitae Variant Classification Sherloc (09022015). Collection method: clinical testing. Allele origin: germline.
Comment: This sequence change replaces isoleucine, which is neutral and non-polar, with valine, which is neutral and non-polar, at codon 955 of the SCN8A protein (p.Ile955Val). This variant is not present in population databases (gnomAD no frequency). This variant has not been reported in the literature in individuals affected with SCN8A-related conditions. Advanced modeling of protein sequence and biophysical properties (such as structural, functional, and spatial information, amino acid conservation, physicochemical variation, residue mobility, and thermodynamic stability) performed at Invitae indicates that this missense variant is not expected to disrupt SCN8A protein function with a negative predictive value of 95%. In summary, the available evidence is currently insufficient to determine the role of this variant in disease. Therefore, it has been classified as a Variant of Uncertain Significance.